The following is an entry in ClinVar:

ClinVar aggregate classification (germline): Uncertain significance (1 of 4 stars; one submission).

Submission:

Labcorp Genetics (formerly Invitae), Labcorp
Classification: Uncertain significance. Last evaluated: 2025-08-15. Review status: criteria provided, single submitter. Criteria: Invitae Variant Classification Sherloc (09022015). Collection method: clinical testing. Allele origin: germline.
Comment: This sequence change replaces alanine, which is neutral and non-polar, with threonine, which is neutral and polar, at codon 215 of the CNTNAP1 protein (p.Ala215Thr). This variant is not present in population databases (gnomAD no frequency). This variant has not been reported in the literature in individuals affected with CNTNAP1-related conditions. An algorithm developed to predict the effect of missense changes on protein structure and function outputs the following: PolyPhen-2: "Benign". The threonine amino acid residue is found in multiple mammalian species, which suggests that this missense change does not adversely affect protein function. In summary, the available evidence is currently insufficient to determine the role of this variant in disease. Therefore, it has been classified as a Variant of Uncertain Significance.

NM_003632.3(CNTNAP1):c.643G>A (p.Ala215Thr)

Gene: CNTNAP1 (contactin associated protein 1; plus strand). Cytogenetic location: 17q21.2.
Variant type: single nucleotide variant.
Coding change: c.643G>A on transcript NM_003632.3 (MANE Select); coding-DNA position 643, G replaced by A.
Protein change: p.Ala215Thr; replaces alanine 215 with threonine.
Molecular consequence: missense variant.
Genome position (GRCh38, 1-based): chr17:42,685,348, G>A. VCF-style: chr17-42685348-G-A. GRCh37 (hg19) VCF-style: chr17-40837366-G-A.
Other names: short protein forms A215T.
Identifiers: ClinVar variation 4763233 (VCV004763233.1).